The following is an entry in ClinVar:

ClinVar aggregate classification (germline): Uncertain significance (1 of 4 stars; one submission).

Submission:

GeneDx
Classification: Uncertain significance. Last evaluated: 2026-10-11. Review status: criteria provided, single submitter. Criteria: GeneDx Variant Classification Process June 2021. Collection method: clinical testing. Allele origin: germline.
Comment: Not observed in large population cohorts (gnomAD); In silico analysis, which includes protein predictors and evolutionary conservation, supports that this variant does not alter protein structure/function; Has not been previously published as pathogenic or benign to our knowledge

NM_001111125.3(IQSEC2):c.836G>A (p.Ser279Asn)

Gene: IQSEC2 (IQ motif and Sec7 domain ArfGEF 2; minus strand). Cytogenetic location: Xp11.22.
Variant type: single nucleotide variant.
Coding change: c.836G>A on transcript NM_001111125.3 (MANE Select); coding-DNA position 836, G replaced by A.
Protein change: p.Ser279Asn; replaces serine 279 with asparagine.
Molecular consequence: missense variant.
Genome position (GRCh38, 1-based): chrX:53,255,963, C>T on the plus strand (G>A on the coding strand, the complement: IQSEC2 is on the minus strand). VCF-style: chrX-53255963-C-T. GRCh37 (hg19) VCF-style: chrX-53285145-C-T.
Other names: c.221G>A, p.Ser74Asn (NM_015075.2); short protein forms S279N, S74N.
Identifiers: ClinVar variation 1310303 (VCV001310303.3), dbSNP rs2147128288, ClinGen allele CA413171917.